The following is an entry in ClinVar:

NM_172362.3(KCNH1):c.697A>G (p.Ile233Val)

Gene: KCNH1 (potassium voltage-gated channel subfamily H member 1; minus strand). Cytogenetic location: 1q32.2.
Variant type: single nucleotide variant.
Coding change: c.697A>G on transcript NM_172362.3 (MANE Select); coding-DNA position 697, A replaced by G.
Protein change: p.Ile233Val; replaces isoleucine 233 with valine.
Molecular consequence: missense variant.
Genome position (GRCh38, 1-based): chr1:211,019,118, T>C on the plus strand (A>G on the coding strand, the complement: KCNH1 is on the minus strand). VCF-style: chr1-211019118-T-C. GRCh37 (hg19) VCF-style: chr1-211192460-T-C.
Other names: c.697A>G, p.Ile233Val (NM_002238.4); short protein forms I233V.
Identifiers: ClinVar variation 2824944 (VCV002824944.3), dbSNP rs2526596785, ClinGen allele CA344876264.

ClinVar aggregate classification (germline): Uncertain significance (1 of 4 stars; one submission).

Submission:

Labcorp Genetics (formerly Invitae), Labcorp
Classification: Uncertain significance. Last evaluated: 2022-12-30. Review status: criteria provided, single submitter. Criteria: Invitae Variant Classification Sherloc (09022015). Collection method: clinical testing. Allele origin: germline.
Comment: Advanced modeling of protein sequence and biophysical properties (such as structural, functional, and spatial information, amino acid conservation, physicochemical variation, residue mobility, and thermodynamic stability) performed at Invitae indicates that this missense variant is expected to disrupt KCNH1 protein function. In summary, the available evidence is currently insufficient to determine the role of this variant in disease. Therefore, it has been classified as a Variant of Uncertain Significance. This variant has not been reported in the literature in individuals affected with KCNH1-related conditions. This sequence change replaces isoleucine, which is neutral and non-polar, with valine, which is neutral and non-polar, at codon 233 of the KCNH1 protein (p.Ile233Val). This variant is not present in population databases (gnomAD no frequency).